The following is an entry in ClinVar:

NM_007294.4(BRCA1):c.5468-11T>C

Gene: BRCA1 (BRCA1 DNA repair associated; minus strand). Cytogenetic location: 17q21.31.
Variant type: single nucleotide variant.
Coding change: c.5468-11T>C on transcript NM_007294.4 (MANE Select); 11 bases into the intron before coding-DNA position 5468, T replaced by C.
Molecular consequence: intron variant.
Genome position (GRCh38, 1-based): chr17:43,045,813, A>G on the plus strand (T>C on the coding strand, the complement: BRCA1 is on the minus strand). VCF-style: chr17-43045813-A-G. GRCh37 (hg19) VCF-style: chr17-41197830-A-G.
Other names: c.1946-11T>C (NM_001408489.1, NM_001408482.1, NM_001408484.1 and 5 more transcripts); c.1949-11T>C (NM_001408479.1, NM_001408478.1, NM_001408480.1); c.5255-11T>C (NM_001407910.1, NM_001407904.1, NM_001407896.1 and 12 more transcripts); c.5258-11T>C (NM_001407884.1, NM_001407879.1, NM_001407882.1 and 5 more transcripts); c.5456-11T>C (NM_001407646.1); c.2030-11T>C (NM_001408445.1, NM_001408450.1, NM_001408447.1 and 2 more transcripts); c.2033-11T>C (NM_001408432.1, NM_001408443.1, NM_001408439.1 and 10 more transcripts); c.5339-11T>C (NM_001407689.1, NM_001407681.1, NM_001407687.1 and 6 more transcripts); and 83 more.
Identifiers: ClinVar variation 1631736 (VCV001631736.11), dbSNP rs2152608629, ClinGen allele CA2573154015.

ClinVar aggregate classification (germline): Likely benign. Review status: criteria provided, multiple submitters, no conflicts (2 of 4 stars). 3 submissions from 3 submitters: Likely benign (3). Last evaluated 2024-02-05.

Conditions:
Hereditary breast ovarian cancer syndrome. Also called: Hereditary breast and ovarian cancer syndrome (HBOC); Breast and ovarian cancer; Hereditary breast and ovarian cancer syndrome; Hereditary breast and ovarian cancer; Hereditary breast and/or ovarian cancer syndrome; BRCA1- and BRCA2-Associated Hereditary Breast and Ovarian Cancer. Identifiers: Orphanet 145, MedGen C0677776, MeSH D061325, MONDO:0003582. Disease mechanism: loss of function.
Hereditary cancer-predisposing syndrome. Also called: Hereditary Cancer Syndrome; Hereditary neoplastic syndrome; Neoplastic Syndromes, Hereditary; Tumor predisposition. Identifiers: Orphanet 140162, MedGen C0027672, MeSH D009386, MONDO:0015356.
Breast-ovarian cancer, familial, susceptibility to, 1 (BROVCA1). Also called: BRCA1 Hereditary Breast and Ovarian Cancer; OVARIAN CANCER, SUSCEPTIBILITY TO. Identifiers: Orphanet 145, MedGen C2676676, MONDO:0011450, OMIM 604370. Disease mechanism: loss of function.

Submissions (3):

All of Us Research Program, National Institutes of Health
Classification: Likely benign for Breast-ovarian cancer, familial, susceptibility to, 1. Last evaluated: 2024-02-05. Review status: criteria provided, single submitter. Criteria: ACMG Guidelines, 2015. Collection method: clinical testing. Allele origin: germline. Inheritance: Autosomal dominant inheritance. Observed: 1 variant allele, 1 heterozygote.
Comment: This study involves interpretation of variants in research participants for the purpose of population health screening. Participant phenotype was not available at the time of variant classification. Additional details can be found in publication PMID: 35346344, PMCID: PMC8962531

Color Diagnostics, LLC DBA Color Health
Classification: Likely benign for Hereditary cancer-predisposing syndrome. Last evaluated: 2024-01-17. Review status: criteria provided, single submitter. Criteria: ACMG Guidelines, 2015. Collection method: clinical testing. Allele origin: germline.

Labcorp Genetics (formerly Invitae), Labcorp
Classification: Likely benign for Hereditary breast ovarian cancer syndrome. Last evaluated: 2021-07-28. Review status: criteria provided, single submitter. Criteria: Invitae Variant Classification Sherloc (09022015). Collection method: clinical testing. Allele origin: germline.